The following is an entry in ClinVar:

ClinVar aggregate classification (germline): Uncertain significance (1 of 4 stars; one submission).

Conditions:
Pfeiffer syndrome (ACS5). Also called: ACS V. Identifiers: Orphanet 710, MedGen C0220658, MONDO:0007043, OMIM 101600.
Hypogonadotropic hypogonadism 2 with or without anosmia (HH2). Also called: HYPOGONADOTROPIC HYPOGONADISM 2 WITHOUT ANOSMIA; HYPOGONADOTROPIC HYPOGONADISM 2 WITH OR WITHOUT ANOSMIA, SUSCEPTIBILITY TO; HYPOGONADOTROPIC HYPOGONADISM 2 WITHOUT ANOSMIA, SUSCEPTIBILITY TO; FGFR1-Related GnRH Deficiency (Kallmann Syndrome 2). Identifiers: Orphanet 478, MedGen C1563720, MONDO:0007844, OMIM 147950. Disease mechanism: loss of function.

Allele frequency attached by ClinVar (database versions not stated): gnomAD exomes 0.00001; ExAC 0.00003.
gnomAD v4.1: 11 of 1,613,412 alleles (0.00068%); highest among the groups gnomAD compares: Non-Finnish European, 0.00068%; no homozygotes.

Submission:

Labcorp Genetics (formerly Invitae), Labcorp
Classification: Uncertain significance for Pfeiffer syndrome; Hypogonadotropic hypogonadism 2 with or without anosmia. Last evaluated: 2024-03-07. Review status: criteria provided, single submitter. Criteria: Invitae Variant Classification Sherloc (09022015). Collection method: clinical testing. Allele origin: germline.
Comment: This sequence change replaces proline, which is neutral and non-polar, with arginine, which is basic and polar, at codon 811 of the FGFR1 protein (p.Pro811Arg). This variant is present in population databases (rs774120844, gnomAD 0.01%). This variant has not been reported in the literature in individuals affected with FGFR1-related conditions. Advanced modeling of protein sequence and biophysical properties (such as structural, functional, and spatial information, amino acid conservation, physicochemical variation, residue mobility, and thermodynamic stability) has been performed at Invitae for this missense variant, however the output from this modeling did not meet the statistical confidence thresholds required to predict the impact of this variant on FGFR1 protein function. In summary, the available evidence is currently insufficient to determine the role of this variant in disease. Therefore, it has been classified as a Variant of Uncertain Significance.

NM_023110.3(FGFR1):c.2432C>G (p.Pro811Arg)

Gene: FGFR1 (fibroblast growth factor receptor 1; minus strand). Cytogenetic location: 8p11.23.
Variant type: single nucleotide variant.
Coding change: c.2432C>G on transcript NM_023110.3 (MANE Select); coding-DNA position 2432, C replaced by G.
Protein change: p.Pro811Arg; replaces proline 811 with arginine.
Molecular consequence: missense variant. On other transcripts: intron variant (3).
Genome position (GRCh38, 1-based): chr8:38,413,665, G>C on the plus strand (C>G on the coding strand, the complement: FGFR1 is on the minus strand). VCF-style: chr8-38413665-G-C. GRCh37 (hg19) VCF-style: chr8-38271183-G-C.
Other names: c.2432C>G, p.Pro811Arg (NM_000604.2); c.2426C>G, p.Pro809Arg (NM_001174063.2, NM_001174065.2, NM_015850.4); c.2402C>G, p.Pro801Arg (NM_001174064.2); c.2165C>G, p.Pro722Arg (NM_001174066.2, NM_023105.3); c.2525C>G, p.Pro842Arg (NM_001174067.2); c.2153C>G, p.Pro718Arg (NM_001354368.2); c.2420C>G, p.Pro807Arg (NM_001410922.1); c.2159C>G, p.Pro720Arg (NM_023106.3); and 3 more; short protein forms P809R, P842R, P722R, P801R, P811R, P718R, P720R, P807R.
Identifiers: ClinVar variation 2935892 (VCV002935892.3), dbSNP rs774120844, ClinGen allele CA4718071.